The following is an entry in ClinVar:

ClinVar aggregate classification (germline): Uncertain significance. Review status: criteria provided, multiple submitters, no conflicts (2 of 4 stars). 2 submissions from 2 submitters: Uncertain significance (2). Last evaluated 2026-06-28.

Conditions:
Hereditary cancer-predisposing syndrome. Also called: Neoplastic Syndromes, Hereditary; Hereditary Cancer Syndrome; Tumor predisposition; Hereditary neoplastic syndrome. Identifiers: Orphanet 140162, MedGen C0027672, MeSH D009386, MONDO:0015356.

Allele frequency attached by ClinVar (database versions not stated): gnomAD exomes 0.00001.
gnomAD v4.1: 5 of 1,611,688 alleles (0.00031%); highest among the groups gnomAD compares: East Asian, 0.011%; no homozygotes.

Submissions (2):

Ambry Genetics
Classification: Uncertain significance for Hereditary cancer-predisposing syndrome. Last evaluated: 2026-06-28. Review status: criteria provided, single submitter. Criteria: Ambry Variant Classification Scheme 2023. Collection method: clinical testing. Allele origin: germline.
Comment: The p.G844R variant (also known as c.2530G>A), located in coding exon 18 of the MSH3 gene, results from a G to A substitution at nucleotide position 2530. The glycine at codon 844 is replaced by arginine, an amino acid with dissimilar properties. This amino acid position is conserved. In addition, the in silico prediction for this alteration is inconclusive. Based on the available evidence, the clinical significance of this variant remains unclear.

Labcorp Genetics (formerly Invitae), Labcorp
Classification: Uncertain significance. Last evaluated: 2024-11-05. Review status: criteria provided, single submitter. Criteria: Invitae Variant Classification Sherloc (09022015). Collection method: clinical testing. Allele origin: germline.
Comment: This sequence change replaces glycine, which is neutral and non-polar, with arginine, which is basic and polar, at codon 844 of the MSH3 protein (p.Gly844Arg). This variant is not present in population databases (gnomAD no frequency). This variant has not been reported in the literature in individuals affected with MSH3-related conditions. ClinVar contains an entry for this variant (Variation ID: 964421). An algorithm developed to predict the effect of missense changes on protein structure and function (PolyPhen-2) suggests that this variant is likely to be tolerated. In summary, the available evidence is currently insufficient to determine the role of this variant in disease. Therefore, it has been classified as a Variant of Uncertain Significance.

NM_002439.5(MSH3):c.2530G>A (p.Gly844Arg)

Gene: MSH3 (mutS homolog 3; plus strand). Cytogenetic location: 5q14.1.
Variant type: single nucleotide variant.
Coding change: c.2530G>A on transcript NM_002439.5 (MANE Select); coding-DNA position 2530, G replaced by A.
Protein change: p.Gly844Arg; replaces glycine 844 with arginine.
Molecular consequence: missense variant.
Genome position (GRCh38, 1-based): chr5:80,787,659, G>A. VCF-style: chr5-80787659-G-A. GRCh37 (hg19) VCF-style: chr5-80083478-G-A.
Other names: c.2530G>A (NM_002439.3); short protein forms G844R.
Identifiers: ClinVar variation 964421 (VCV000964421.9), dbSNP rs1580051177, ClinGen allele CA360283417.